The following is an entry in ClinVar:

NM_032520.5(GNPTG):c.631A>T (p.Thr211Ser)

Gene: GNPTG (N-acetylglucosamine-1-phosphate transferase subunit gamma; plus strand). Cytogenetic location: 16p13.3.
Variant type: single nucleotide variant.
Coding change: c.631A>T on transcript NM_032520.5 (MANE Select); coding-DNA position 631, A replaced by T.
Protein change: p.Thr211Ser; replaces threonine 211 with serine.
Molecular consequence: missense variant.
Genome position (GRCh38, 1-based): chr16:1,362,632, A>T. VCF-style: chr16-1362632-A-T. GRCh37 (hg19) VCF-style: chr16-1412633-A-T.
Other names: c.631A>T (NM_032520.4); short protein forms T211S.
Identifiers: ClinVar variation 1042407 (VCV001042407.5), dbSNP rs112925416, ClinGen allele CA7807857.

ClinVar aggregate classification (germline): Uncertain significance. Review status: criteria provided, multiple submitters, no conflicts (2 of 4 stars). 3 submissions from 3 submitters: Uncertain significance (2). 1 of the submissions does not count toward it. Last evaluated 2022-09-27.

Conditions:
GNPTG-mucolipidosis. Also called: ML III GAMMA; ML IIIC; Mucolipidosis type III gamma; MUCOLIPIDOSIS III, COMPLEMENTATION GROUP C; MUCOLIPIDOSIS III, IRANIAN VARIANT FORM; MUCOLIPIDOSIS III, VARIANT FORM. Identifiers: Orphanet 423470, Orphanet 577, MedGen C1854896, MONDO:0009652, OMIM 252605.
Inborn genetic diseases. Identifiers: MedGen C0950123, MeSH D030342.

Allele frequency attached by ClinVar (database versions not stated): ExAC 0.00002; gnomAD exomes 0.00002; gnomAD 0.00003 and 0.00005; TOPMed 0.00007; ESP Exome Variant Server 0.00008.
gnomAD v4.1: 62 of 1,614,116 alleles (0.0038%); highest among the groups gnomAD compares: African/African-American, 0.043%; 2 homozygotes.

Submissions (3):

Labcorp Genetics (formerly Invitae), Labcorp
Classification: Uncertain significance. Last evaluated: 2022-09-27. Review status: criteria provided, single submitter. Criteria: Invitae Variant Classification Sherloc (09022015). Collection method: clinical testing. Allele origin: germline.
Comment: This sequence change replaces threonine, which is neutral and polar, with serine, which is neutral and polar, at codon 211 of the GNPTG protein (p.Thr211Ser). This variant is present in population databases (rs112925416, gnomAD 0.01%). This variant has not been reported in the literature in individuals affected with GNPTG-related conditions. ClinVar contains an entry for this variant (Variation ID: 1042407). Advanced modeling of protein sequence and biophysical properties (such as structural, functional, and spatial information, amino acid conservation, physicochemical variation, residue mobility, and thermodynamic stability) performed at Invitae indicates that this missense variant is not expected to disrupt GNPTG protein function. Algorithms developed to predict the effect of sequence changes on RNA splicing suggest that this variant may create or strengthen a splice site. In summary, the available evidence is currently insufficient to determine the role of this variant in disease. Therefore, it has been classified as a Variant of Uncertain Significance.

Ambry Genetics
Classification: Uncertain significance for Inborn genetic diseases. Last evaluated: 2021-10-06. Review status: criteria provided, single submitter. Criteria: Ambry Variant Classification Scheme 2023. Collection method: clinical testing. Allele origin: germline.

Natera, Inc.
Classification: Uncertain significance for Mucolipidosis III gamma. Last evaluated: 2020-07-30. Review status: no assertion criteria provided. Collection method: clinical testing. Allele origin: germline. Not counted in ClinVar's aggregate classification.